The following is an entry in ClinVar:

ClinVar aggregate classification (germline): Uncertain significance. Review status: criteria provided, multiple submitters, no conflicts (2 of 4 stars). 3 submissions from 3 submitters: Uncertain significance (3). Last evaluated 2025-05-07.

Conditions:
Hereditary cancer-predisposing syndrome. Also called: Hereditary neoplastic syndrome; Tumor predisposition; Neoplastic Syndromes, Hereditary; Hereditary Cancer Syndrome. Identifiers: Orphanet 140162, MedGen C0027672, MeSH D009386, MONDO:0015356.
Familial adenomatous polyposis 1 (FAP1). Also called: FAMILIAL ADENOMATOUS POLYPOSIS 1, ATTENUATED; POLYPOSIS, ADENOMATOUS INTESTINAL. Identifiers: MedGen C2713442, MONDO:0021056, OMIM 175100. Disease mechanism: loss of function.

Allele frequency attached by ClinVar (database versions not stated): TOPMed below 0.00001; gnomAD 0.00001.
gnomAD v4.1: 1 of 1,613,280 alleles (0.000062%); highest among the groups gnomAD compares: Non-Finnish European, 0.000085%; no homozygotes.

Submissions (3):

Labcorp Genetics (formerly Invitae), Labcorp
Classification: Uncertain significance for Familial adenomatous polyposis 1. Last evaluated: 2025-05-07. Review status: criteria provided, single submitter. Criteria: Invitae Variant Classification Sherloc (09022015). Collection method: clinical testing. Allele origin: germline.
Comment: This sequence change replaces serine, which is neutral and polar, with proline, which is neutral and non-polar, at codon 2537 of the APC protein (p.Ser2537Pro). This variant is not present in population databases (gnomAD no frequency). This variant has not been reported in the literature in individuals affected with APC-related conditions. ClinVar contains an entry for this variant (Variation ID: 953608). Invitae Evidence Modeling of protein sequence and biophysical properties (such as structural, functional, and spatial information, amino acid conservation, physicochemical variation, residue mobility, and thermodynamic stability) indicates that this missense variant is not expected to disrupt APC protein function with a negative predictive value of 95%. In summary, the available evidence is currently insufficient to determine the role of this variant in disease. Therefore, it has been classified as a Variant of Uncertain Significance.

Ambry Genetics
Classification: Uncertain significance for Hereditary cancer-predisposing syndrome. Last evaluated: 2025-02-28. Review status: criteria provided, single submitter. Criteria: Ambry Variant Classification Scheme 2023. Collection method: clinical testing. Allele origin: germline.
Comment: The p.S2537P variant (also known as c.7609T>C), located in coding exon 15 of the APC gene, results from a T to C substitution at nucleotide position 7609. The serine at codon 2537 is replaced by proline, an amino acid with similar properties. This amino acid position is well conserved in available vertebrate species. In addition, in silico predictors for this gene do not accurately predict pathogenicity. Missense alterations in APC are not a common cause of disease (Spier I et al. Genet Med. 2024 Feb;26(2):100992). Based on the available evidence, the clinical significance of this variant remains unclear.

Baylor Genetics
Classification: Uncertain significance for Familial adenomatous polyposis 1. Last evaluated: 2024-01-04. Review status: criteria provided, single submitter. Criteria: ACMG Guidelines, 2015. Collection method: clinical testing. Allele origin: unknown.

NM_000038.6(APC):c.7609T>C (p.Ser2537Pro)

Gene: APC (APC regulator of Wnt signaling pathway; plus strand). Cytogenetic location: 5q22.2.
Variant type: single nucleotide variant.
Coding change: c.7609T>C on transcript NM_000038.6 (MANE Select); coding-DNA position 7609, T replaced by C.
Protein change: p.Ser2537Pro; replaces serine 2537 with proline.
Molecular consequence: missense variant.
Genome position (GRCh38, 1-based): chr5:112,843,203, T>C. VCF-style: chr5-112843203-T-C. GRCh37 (hg19) VCF-style: chr5-112178900-T-C.
Other names: c.7609T>C, p.Ser2537Pro (NM_001127510.3, NM_001354895.2); c.7555T>C, p.Ser2519Pro (NM_001127511.3); c.7663T>C, p.Ser2555Pro (NM_001354896.2); c.7639T>C, p.Ser2547Pro (NM_001354897.2); c.7534T>C, p.Ser2512Pro (NM_001354898.2); c.7525T>C, p.Ser2509Pro (NM_001354899.2); c.7486T>C, p.Ser2496Pro (NM_001354900.2); c.7432T>C, p.Ser2478Pro (NM_001354901.2); and 5 more; short protein forms S2254P, S2377P, S2478P, S2509P, S2512P, S2519P, S2547P, S2496P.
Identifiers: ClinVar variation 953608 (VCV000953608.13), dbSNP rs1766523291, ClinGen allele CA16037862.